The following is an entry in ClinVar:

NM_000287.4(PEX6):c.2245G>A (p.Gly749Ser)

Gene: PEX6 (peroxisomal biogenesis factor 6; minus strand). Cytogenetic location: 6p21.1.
Variant type: single nucleotide variant.
Coding change: c.2245G>A on transcript NM_000287.4 (MANE Select); coding-DNA position 2245, G replaced by A.
Protein change: p.Gly749Ser; replaces glycine 749 with serine.
Molecular consequence: missense variant.
Genome position (GRCh38, 1-based): chr6:42,966,297, C>T on the plus strand (G>A on the coding strand, the complement: PEX6 is on the minus strand). VCF-style: chr6-42966297-C-T. GRCh37 (hg19) VCF-style: chr6-42934035-C-T.
Other names: c.1981G>A, p.Gly661Ser (NM_001316313.2); short protein forms G749S, G661S.
Identifiers: ClinVar variation 695030 (VCV000695030.5), dbSNP rs1244339215, ClinGen allele CA364152215.

ClinVar aggregate classification (germline): Conflicting classifications of pathogenicity. Review status: criteria provided, conflicting classifications (1 of 4 stars). 3 submissions from 3 submitters: Likely pathogenic (2); Uncertain significance (1). Last evaluated 2024-02-23.

Conditions:
Peroxisome biogenesis disorder 1A (Zellweger) (PBD1A). Also called: Peroxisome biogenesis disorder 1a; Zellweger leukodystrophy. Identifiers: MedGen C4721541, MONDO:0008953, OMIM 214100.
Heimler syndrome 2 (HMLR2). Also called: PEROXISOME BIOGENESIS DISORDER 4C. Identifiers: Orphanet 3220, MedGen C4225267, OMIM 616617, MONDO:0014709.
Peroxisome biogenesis disorder 4A (Zellweger) (PBD4A). Also called: Zellweger syndrome spectrum (PEX6-related). Identifiers: Orphanet 912, MedGen C3553936, MONDO:0013930, OMIM 614862. Disease mechanism: loss of function.
Peroxisome biogenesis disorder 4B (PBD4B). Also called: SPINOCEREBELLAR ATAXIA WITH BLINDNESS AND DEAFNESS 1. Identifiers: Orphanet 44, Orphanet 95433, MedGen C3553937, MONDO:0013931, OMIM 614863.
Peroxisome biogenesis disorder. Identifiers: Orphanet 79189, MedGen C1832200, MONDO:0019234. Disease mechanism: loss of function.

Allele frequency attached by ClinVar (database versions not stated): gnomAD exomes below 0.00001; gnomAD 0.00001; TOPMed 0.00001.

Submissions (3):

Fulgent Genetics
Classification: Likely pathogenic for Peroxisome biogenesis disorder 4A (Zellweger); Peroxisome biogenesis disorder 4B; Heimler syndrome 2. Last evaluated: 2024-02-23. Review status: criteria provided, single submitter. Criteria: ACMG Guidelines, 2015. Collection method: clinical testing. Allele origin: germline.

Labcorp Genetics (formerly Invitae), Labcorp
Classification: Uncertain significance for Peroxisome biogenesis disorder. Last evaluated: 2021-08-31. Review status: criteria provided, single submitter. Criteria: Invitae Variant Classification Sherloc (09022015). Collection method: clinical testing. Allele origin: germline.
Comment: This sequence change replaces glycine with serine at codon 749 of the PEX6 protein (p.Gly749Ser). The glycine residue is highly conserved and there is a small physicochemical difference between glycine and serine. This variant is not present in population databases (ExAC no frequency). This variant has not been reported in the literature in individuals affected with PEX6-related conditions. Algorithms developed to predict the effect of missense changes on protein structure and function (SIFT, PolyPhen-2, Align-GVGD) all suggest that this variant is likely to be disruptive. Algorithms developed to predict the effect of sequence changes on RNA splicing suggest that this variant may create or strengthen a splice site. In summary, the available evidence is currently insufficient to determine the role of this variant in disease. Therefore, it has been classified as a Variant of Uncertain Significance.

Center of Genomic medicine, Geneva, University Hospital of Geneva
Classification: Likely pathogenic for Zellweger syndrome. Last evaluated: 2019-03-05. Review status: criteria provided, single submitter. Criteria: ACMG Guidelines, 2015. Collection method: clinical testing. Allele origin: paternal. Affected: yes. Observed: 2 variant alleles.